The following is an entry in ClinVar:

NM_147127.5(EVC2):c.2122_2125delinsAGA (p.His708fs)

Gene: EVC2 (EvC ciliary complex subunit 2; minus strand). Cytogenetic location: 4p16.2.
Variant type: Indel.
Coding change: c.2122_2125delinsAGA on transcript NM_147127.5 (MANE Select); coding-DNA positions 2122 to 2125, CACC replaced by AGA.
Protein change: p.His708fs; shifts the reading frame from histidine 708.
Molecular consequence: frameshift variant.
Genome position (GRCh38, 1-based): chr4:5,622,913-5,622,916, GGTG replaced by TCT on the plus strand (CACC replaced by AGA on the coding strand, the reverse complement: EVC2 is on the minus strand). VCF-style: chr4-5622913-GGTG-TCT. GRCh37 (hg19) VCF-style: chr4-5624640-GGTG-TCT.
Other names: c.1882_1885delinsAGA, p.His628fs (NM_001166136.2); short protein forms H628fs, H708fs.
Identifiers: ClinVar variation 1724625 (VCV001724625.2), dbSNP rs2475376434, ClinGen allele CA2580070763.

ClinVar aggregate classification (germline): Likely pathogenic (1 of 4 stars; one submission).

Conditions:
Ellis-van Creveld syndrome (EVC). Also called: EVC-Related Ellis-van Creveld Syndrome; EVC2-Related Ellis-van Creveld Syndrome; MESOECTODERMAL DYSPLASIA; Chondroectodermal dysplasia. Identifiers: Orphanet 289, MedGen C0013903, MONDO:0009162, OMIM 225500.

Submission:

Myriad Genetics, Inc.
Classification: Likely pathogenic for Ellis-van Creveld syndrome. Last evaluated: 2022-02-22. Review status: criteria provided, single submitter. Criteria: Myriad Women's Health Autosomal Recessive and X-Linked Classification Criteria (2021). Collection method: clinical testing. Allele origin: unknown.
Comment: NM_147127.4(EVC2):c.2122_2125delCACCinsAGA(H708Rfs*6) is expected to be pathogenic in the context of EVC2-related Ellis-van Creveld syndrome. This variant is predicted to lead to an abnormal or absent protein product due to the creation of a premature termination codon in EVC2, a gene where loss-of-function variants are known to be pathogenic. Please note: this variant was assessed in the context of healthy population screening.